The following is an entry in ClinVar:

NM_001170629.2(CHD8):c.5622C>A (p.Phe1874Leu)

Gene: CHD8 (chromodomain helicase DNA binding protein 8; minus strand). Cytogenetic location: 14q11.2.
Variant type: single nucleotide variant.
Coding change: c.5622C>A on transcript NM_001170629.2 (MANE Select); coding-DNA position 5622, C replaced by A.
Protein change: p.Phe1874Leu; replaces phenylalanine 1874 with leucine.
Molecular consequence: missense variant.
Genome position (GRCh38, 1-based): chr14:21,394,173, G>T on the plus strand (C>A on the coding strand, the complement: CHD8 is on the minus strand). VCF-style: chr14-21394173-G-T. GRCh37 (hg19) VCF-style: chr14-21862332-G-T.
Other names: c.4785C>A, p.Phe1595Leu (NM_020920.4); c.5622C>A (NM_001170629.1); short protein forms F1595L, F1874L.
Identifiers: ClinVar variation 1718216 (VCV001718216.7), dbSNP rs1301490795, ClinGen allele CA388882465.

ClinVar aggregate classification (germline): Uncertain significance. Review status: criteria provided, multiple submitters, no conflicts (2 of 4 stars). 2 submissions from 2 submitters: Uncertain significance (2). Last evaluated 2022-09-12.

Conditions:
Inborn genetic diseases. Identifiers: MedGen C0950123, MeSH D030342.

Allele frequency attached by ClinVar (database versions not stated): gnomAD exomes below 0.00001.
gnomAD v4.1: 2 of 1,606,988 alleles (0.00012%); highest among the groups gnomAD compares: Non-Finnish European, 0.000085%; no homozygotes.

Submissions (2):

Labcorp Genetics (formerly Invitae), Labcorp
Classification: Uncertain significance. Last evaluated: 2022-09-12. Review status: criteria provided, single submitter. Criteria: Invitae Variant Classification Sherloc (09022015). Collection method: clinical testing. Allele origin: germline.
Comment: In summary, the available evidence is currently insufficient to determine the role of this variant in disease. Therefore, it has been classified as a Variant of Uncertain Significance. Advanced modeling of protein sequence and biophysical properties (such as structural, functional, and spatial information, amino acid conservation, physicochemical variation, residue mobility, and thermodynamic stability) performed at Invitae indicates that this missense variant is not expected to disrupt CHD8 protein function. This variant has not been reported in the literature in individuals affected with CHD8-related conditions. This variant is present in population databases (no rsID available, gnomAD 0.0009%). This sequence change replaces phenylalanine, which is neutral and non-polar, with leucine, which is neutral and non-polar, at codon 1874 of the CHD8 protein (p.Phe1874Leu).

Ambry Genetics
Classification: Uncertain significance for Inborn genetic diseases. Last evaluated: 2021-07-14. Review status: criteria provided, single submitter. Criteria: Ambry Variant Classification Scheme 2023. Collection method: clinical testing. Allele origin: germline.